The following is an entry in ClinVar:

NM_000533.5(PLP1):c.176_177dup (p.Tyr60fs)

Genes: PLP1 (proteolipid protein 1; plus strand), RAB9B (RAB9B, member RAS oncogene family; minus strand). Cytogenetic location: Xq22.2.
Variant type: Duplication.
Coding change: c.176_177dup on transcript NM_000533.5 (MANE Select); coding-DNA positions 176 to 177, 2 bases duplicated (AG; older notation c.176_177dupAG).
Protein change: p.Tyr60fs; shifts the reading frame from tyrosine 60.
Molecular consequence: frameshift variant.
Genome position (GRCh38, 1-based): chrX:103,785,753-103,785,754, AG duplicated; duplicating any 2 consecutive bases within chrX:103,785,752-103,785,754 gives the same sequence; the c. name uses the placement nearest the transcript's 3' end. VCF-style (leftmost placement, unchanged base first): chrX-103785751-T-TGA. GRCh37 (hg19) VCF-style: chrX-103040680-T-TGA.
Other names: c.176_177dup, p.Tyr60fs (NM_001128834.3, NM_199478.3); c.11_12dup, p.Tyr5fs (NM_001305004.1); short protein forms Y60fs, Y5fs.
Identifiers: ClinVar variation 2704479 (VCV002704479.3), dbSNP rs2522301910, ClinGen allele CA2697544672.

ClinVar aggregate classification (germline): Pathogenic (1 of 4 stars; one submission).

Conditions:
Hereditary spastic paraplegia 2 (SPG2). Also called: SPASTIC PARAPLEGIA 2, X-LINKED; Spastic Paraplegia 2 (SPG2). Identifiers: Orphanet 99015, MedGen C0751604, MONDO:0010733, OMIM 312920.

Submission:

Labcorp Genetics (formerly Invitae), Labcorp
Classification: Pathogenic for Hereditary spastic paraplegia 2. Last evaluated: 2023-12-20. Review status: criteria provided, single submitter. Criteria: Invitae Variant Classification Sherloc (09022015). Collection method: clinical testing. Allele origin: germline.
Comment: This sequence change creates a premature translational stop signal (p.Tyr60Serfs*6) in the PLP1 gene. It is expected to result in an absent or disrupted protein product. Loss-of-function variants in PLP1 are known to be pathogenic (PMID: 18470932). This variant is not present in population databases (gnomAD no frequency). This variant has not been reported in the literature in individuals affected with PLP1-related conditions. For these reasons, this variant has been classified as Pathogenic.

Literature cited by the submitters: PubMed 18470932.